The following is an entry in ClinVar:

NM_198994.3(TGM6):c.1090G>A (p.Glu364Lys)

Gene: TGM6 (transglutaminase 6; plus strand). Cytogenetic location: 20p13.
Variant type: single nucleotide variant.
Coding change: c.1090G>A on transcript NM_198994.3 (MANE Select); coding-DNA position 1090, G replaced by A.
Protein change: p.Glu364Lys; replaces glutamic acid 364 with lysine.
Molecular consequence: missense variant.
Genome position (GRCh38, 1-based): chr20:2,403,497, G>A. VCF-style: chr20-2403497-G-A. GRCh37 (hg19) VCF-style: chr20-2384143-G-A.
Other names: p.Glu364Lys; c.1090G>A, p.Glu364Lys (NM_001254734.2); short protein forms E364K.
Identifiers: ClinVar variation 4542372 (VCV004542372.1).

ClinVar aggregate classification (germline): Uncertain significance (1 of 4 stars; one submission).

Submission:

Mayo Clinic Laboratories, Mayo Clinic
Classification: Uncertain significance. Last evaluated: 2025-06-05. Review status: criteria provided, single submitter. Criteria: ACMG Guidelines, 2015. Collection method: clinical testing. Allele origin: germline. Observed: 1 variant allele.
Comment: PP2, PM2_supporting

Literature cited by the submitters: PubMed 25133958.